The following is an entry in ClinVar:

ClinVar aggregate classification (germline): Likely benign (1 of 4 stars; one submission).

Conditions:
Posterior column ataxia-retinitis pigmentosa syndrome (RETSNS). Also called: RETINOPATHY-SENSORY NEUROPATHY SYNDROME. Identifiers: Orphanet 88628, MedGen C1836916, MONDO:0012177, OMIM 609033.

Allele frequency attached by ClinVar (database versions not stated): gnomAD 0.00003 and 0.00020; TOPMed 0.00003; 1000 Genomes Project 30x 0.00203; 1000 Genomes Project 0.00220.

Submission:

Illumina Laboratory Services, Illumina
Classification: Likely benign for Posterior column ataxia-retinitis pigmentosa syndrome. Last evaluated: 2018-01-13. Review status: criteria provided, single submitter. Criteria: ICSL Variant Classification Criteria 13 December 2019. Collection method: clinical testing. Allele origin: germline.
Comment: This variant was observed in the ICSL laboratory as part of a predisposition screen in an ostensibly healthy population. It had not been previously curated by ICSL or reported in the Human Gene Mutation Database (HGMD: prior to June 1st, 2018), and was therefore a candidate for classification through an automated scoring system. Utilizing variant allele frequency, disease prevalence and penetrance estimates, and inheritance mode, an automated score was calculated to assess if this variant is too frequent to cause the disease. Based on the score and internal cut-off values, a variant classified as likely benign is not then subjected to further curation. The score for this variant resulted in a classification of likely benign for this disease.

NM_017791.3(FLVCR2):c.*1319C>T

Gene: FLVCR2 (FLVCR choline and putative heme transporter 2; plus strand). Cytogenetic location: 14q24.3.
Variant type: single nucleotide variant.
Coding change: c.*1319C>T on transcript NM_017791.3 (MANE Select); 1319 bases downstream of the stop codon, C replaced by T.
Molecular consequence: 3 prime UTR variant.
Genome position (GRCh38, 1-based): chr14:75,647,791, C>T. VCF-style: chr14-75647791-C-T. GRCh37 (hg19) VCF-style: chr14-76114134-C-T.
Other names: c.*1319C>T (NM_001195283.2).
Identifiers: ClinVar variation 887446 (VCV000887446.4), dbSNP rs541678412, ClinGen allele CA263683776.
Genomic context (GRCh38, chr14:75,647,791, plus strand): 5'-TTCCTATGCATTGGGCAACTGTGATCGTGACCACTGTGCTGTCTTGCTCCAGCCACTGCC[C>T]TGGCCTCAGCATATCAGGGCAGCCTGTGCTGGCTGCAATACTGTGGTGCTTGGGCCACTG-3'